The following is an entry in ClinVar:

NM_033198.4(PIGS):c.1565A>G (p.Tyr522Cys)

Gene: PIGS (phosphatidylinositol glycan anchor biosynthesis class S; minus strand). Cytogenetic location: 17q11.2.
Variant type: single nucleotide variant.
Coding change: c.1565A>G on transcript NM_033198.4 (MANE Select); coding-DNA position 1565, A replaced by G.
Protein change: p.Tyr522Cys; replaces tyrosine 522 with cysteine.
Molecular consequence: missense variant.
Genome position (GRCh38, 1-based): chr17:28,554,323, T>C on the plus strand (A>G on the coding strand, the complement: PIGS is on the minus strand). VCF-style: chr17-28554323-T-C. GRCh37 (hg19) VCF-style: chr17-26881341-T-C.
Other names: short protein forms Y522C.
Identifiers: ClinVar variation 1700374 (VCV001700374.3), dbSNP rs2151511037, ClinGen allele CA398339193.

ClinVar aggregate classification (germline): Uncertain significance. Review status: criteria provided, multiple submitters, no conflicts (2 of 4 stars). 2 submissions from 2 submitters: Uncertain significance (2). Last evaluated 2025-10-29.

Conditions:
Inborn genetic diseases. Identifiers: MedGen C0950123, MeSH D030342.

Submissions (2):

Ambry Genetics
Classification: Uncertain significance for Inborn genetic diseases. Last evaluated: 2025-10-29. Review status: criteria provided, single submitter. Criteria: Ambry Variant Classification Scheme 2023. Collection method: clinical testing. Allele origin: germline.
Comment: The c.1565A>G (p.Y522C) alteration is located in exon 12 (coding exon 12) of the PIGS gene. This alteration results from an A to G substitution at nucleotide position 1565, causing the tyrosine (Y) at amino acid position 522 to be replaced by a cysteine (C). This variant was not reported in population-based cohorts in the Genome Aggregation Database (gnomAD). This amino acid position is highly conserved in available vertebrate species. This alteration is predicted to be deleterious by in silico analysis. Based on insufficient or conflicting evidence, the clinical significance of this alteration remains unclear.

GeneDx
Classification: Uncertain significance. Last evaluated: 2022-02-05. Review status: criteria provided, single submitter. Criteria: GeneDx Variant Classification Process June 2021. Collection method: clinical testing. Allele origin: germline. Affected: yes.
Comment: Not observed at significant frequency in large population cohorts (gnomAD); In silico analysis supports that this missense variant has a deleterious effect on protein structure/function; Has not been previously published as pathogenic or benign to our knowledge